The following is an entry in ClinVar:

NM_001363711.2(DUOX2):c.1234+1G>T

Gene: DUOX2 (dual oxidase 2; minus strand). Cytogenetic location: 15q21.1.
Variant type: single nucleotide variant.
Coding change: c.1234+1G>T on transcript NM_001363711.2 (MANE Select); the canonical splice donor site of the intron after coding-DNA position 1234, G replaced by T.
Molecular consequence: splice donor variant.
Genome position (GRCh38, 1-based): chr15:45,109,523, C>A on the plus strand (G>T on the coding strand, the complement: DUOX2 is on the minus strand). VCF-style: chr15-45109523-C-A. GRCh37 (hg19) VCF-style: chr15-45401721-C-A.
Other names: c.1234+1G>T (NM_014080.5).
Identifiers: ClinVar variation 1066436 (VCV001066436.7), dbSNP rs1894320928, ClinGen allele CA392277075.
Genomic context (GRCh38, chr15:45,109,523, plus strand): 5'-CCAGAGGGATCCTCAGGCTTCCTGGTCCCTTACCATCCACCCCTTCTGGCTCTGAGCTCA[C>A]CCCTCAGATCTTCAACCACTATGTTGTCCTCCAACTCCGAAATCTGGGAGGCCATTCCCA-3'

ClinVar aggregate classification (germline): Likely pathogenic (1 of 4 stars; one submission).

Submission:

Labcorp Genetics (formerly Invitae), Labcorp
Classification: Likely pathogenic. Last evaluated: 2026-01-15. Review status: criteria provided, single submitter. Criteria: Invitae Variant Classification Sherloc (09022015). Collection method: clinical testing. Allele origin: germline.
Comment: This sequence change affects a donor splice site in intron 11 of the DUOX2 gene. It is expected to disrupt RNA splicing. Variants that disrupt the donor or acceptor splice site typically lead to a loss of protein function (PMID: 16199547), and loss-of-function variants in DUOX2 are known to be pathogenic (PMID: 12110737, 18765513, 21565790, 24423310, 24735383). This variant is not present in population databases (gnomAD no frequency). This variant has not been reported in the literature in individuals affected with DUOX2-related conditions. ClinVar contains an entry for this variant (Variation ID: 1066436). Algorithms developed to predict the effect of sequence changes on RNA splicing suggest that this variant may disrupt the consensus splice site. In summary, the currently available evidence indicates that the variant is pathogenic, but additional data are needed to prove that conclusively. Therefore, this variant has been classified as Likely Pathogenic.

Literature cited by the submitters: PubMed 16199547; PubMed 12110737; PubMed 18765513; PubMed 21565790; PubMed 24423310; PubMed 24735383.